The following is an entry in ClinVar:

ClinVar aggregate classification (germline): Uncertain significance. Review status: criteria provided, multiple submitters, no conflicts (2 of 4 stars). 2 submissions from 2 submitters: Uncertain significance (2). Last evaluated 2025-05-30.

Conditions:
Cardiomyopathy (CMYO). Also called: Cardiomyopathies. Identifiers: Orphanet 167848, MedGen C0878544, MONDO:0004994, HP:0001638. Inheritance: Various modes of inheritance.

gnomAD v4.1: 2 of 1,613,286 alleles (0.00012%); highest among the groups gnomAD compares: Non-Finnish European, 0.000085%; no homozygotes.

Submissions (2):

Color Diagnostics, LLC DBA Color Health
Classification: Uncertain significance for Cardiomyopathy. Last evaluated: 2025-05-30. Review status: criteria provided, single submitter. Criteria: ACMG Guidelines, 2015. Collection method: clinical testing. Allele origin: germline.
Comment: This missense variant replaces glycine with valine at codon 1516 of the RYR2 protein. Computational prediction suggests that this variant may have deleterious impact on protein structure and function. To our knowledge, functional studies have not been reported for this variant. This variant has not been reported in individuals affected with RYR2-related disorders in the literature. This variant has not been identified in the general population by the Genome Aggregation Database (gnomAD). The available evidence is insufficient to determine the role of this variant in disease conclusively. Therefore, this variant is classified as a Variant of Uncertain Significance.

GeneDx
Classification: Uncertain significance. Last evaluated: 2023-10-20. Review status: criteria provided, single submitter. Criteria: GeneDx Variant Classification Process June 2021. Collection method: clinical testing. Allele origin: germline. Affected: yes.
Comment: Not observed at significant frequency in large population cohorts (gnomAD); In silico analysis supports that this missense variant has a deleterious effect on protein structure/function; Has not been previously published as pathogenic or benign to our knowledge; Not located in one of the three hot-spot regions of the RYR2 gene, where the majority of pathogenic missense variants occur (Medeiros-Domingo et al., 2009); This variant is associated with the following publications: (PMID: 19926015)

NM_001035.3(RYR2):c.4547G>T (p.Gly1516Val)

Gene: RYR2 (ryanodine receptor 2; plus strand). Cytogenetic location: 1q43.
Variant type: single nucleotide variant.
Coding change: c.4547G>T on transcript NM_001035.3 (MANE Select); coding-DNA position 4547, G replaced by T.
Protein change: p.Gly1516Val; replaces glycine 1516 with valine.
Molecular consequence: missense variant.
Genome position (GRCh38, 1-based): chr1:237,595,608, G>T. VCF-style: chr1-237595608-G-T. GRCh37 (hg19) VCF-style: chr1-237758908-G-T.
Other names: short protein forms G1516V.
Identifiers: ClinVar variation 3363266 (VCV003363266.2).